The following is an entry in ClinVar:

ClinVar aggregate classification (germline): Uncertain significance. Review status: criteria provided, multiple submitters, no conflicts (2 of 4 stars). 3 submissions from 3 submitters: Uncertain significance (3). Last evaluated 2024-10-08.

Conditions:
Hereditary cancer-predisposing syndrome. Also called: Hereditary Cancer Syndrome; Tumor predisposition; Neoplastic Syndromes, Hereditary; Hereditary neoplastic syndrome. Identifiers: Orphanet 140162, MedGen C0027672, MeSH D009386, MONDO:0015356.
Ataxia-telangiectasia syndrome (AT). Also called: ATAXIA-TELANGIECTASIA, FRESNO VARIANT; Ataxia-telangiectasia, complementation group E; Ataxia telangiectasia (A-T); Cerebello-oculocutaneous telangiectasia; Immunodeficiency with ataxia telangiectasia; LOUIS-BAR SYNDROME. Identifiers: Orphanet 100, MedGen C0004135, MONDO:0008840, OMIM 208900.

Allele frequency attached by ClinVar (database versions not stated): gnomAD exomes below 0.00001; TOPMed below 0.00001; ExAC 0.00001; gnomAD 0.00001 and 0.00002; 1000 Genomes Project 30x 0.00016; 1000 Genomes Project 0.00020.
gnomAD v4.1: 3 of 1,613,412 alleles (0.00019%); highest among the groups gnomAD compares: Admixed American, 0.005%; no homozygotes.

Submissions (3):

Labcorp Genetics (formerly Invitae), Labcorp
Classification: Uncertain significance for Ataxia-telangiectasia syndrome. Last evaluated: 2024-10-08. Review status: criteria provided, single submitter. Criteria: Invitae Variant Classification Sherloc (09022015). Collection method: clinical testing. Allele origin: germline.
Comment: This sequence change replaces valine, which is neutral and non-polar, with methionine, which is neutral and non-polar, at codon 998 of the ATM protein (p.Val998Met). This variant is present in population databases (rs199635238, gnomAD 0.1%). This variant has not been reported in the literature in individuals affected with ATM-related conditions. ClinVar contains an entry for this variant (Variation ID: 648699). Invitae Evidence Modeling of protein sequence and biophysical properties (such as structural, functional, and spatial information, amino acid conservation, physicochemical variation, residue mobility, and thermodynamic stability) indicates that this missense variant is not expected to disrupt ATM protein function with a negative predictive value of 95%. In summary, the available evidence is currently insufficient to determine the role of this variant in disease. Therefore, it has been classified as a Variant of Uncertain Significance.

Ambry Genetics
Classification: Uncertain significance for Hereditary cancer-predisposing syndrome. Last evaluated: 2024-03-08. Review status: criteria provided, single submitter. Criteria: Ambry Variant Classification Scheme 2023. Collection method: clinical testing. Allele origin: germline.
Comment: The p.V998M variant (also known as c.2992G>A), located in coding exon 19 of the ATM gene, results from a G to A substitution at nucleotide position 2992. The valine at codon 998 is replaced by methionine, an amino acid with highly similar properties. This amino acid position is not well conserved in available vertebrate species. In addition, this alteration is predicted to be tolerated by in silico analysis. Based on the available evidence, the clinical significance of this alteration remains unclear.

Color Diagnostics, LLC DBA Color Health
Classification: Uncertain significance for Hereditary cancer-predisposing syndrome. Last evaluated: 2021-04-20. Review status: criteria provided, single submitter. Criteria: ACMG Guidelines, 2015. Collection method: clinical testing. Allele origin: germline.
Comment: This missense variant replaces valine with methionine at codon 998 of the ATM protein. Computational prediction suggests that this variant may not impact protein structure and function (internally defined REVEL score threshold <= 0.5, PMID: 27666373). To our knowledge, functional studies have not been reported for this variant. This variant has not been reported in individuals affected with hereditary cancer in the literature. This variant has been identified in 2/282710 chromosomes in the general population by the Genome Aggregation Database (gnomAD). The available evidence is insufficient to determine the role of this variant in disease conclusively. Therefore, this variant is classified as a Variant of Uncertain Significance.

NM_000051.4(ATM):c.2992G>A (p.Val998Met)

Gene: ATM (ATM serine/threonine kinase; plus strand). Cytogenetic location: 11q22.3.
Variant type: single nucleotide variant.
Coding change: c.2992G>A on transcript NM_000051.4 (MANE Select); coding-DNA position 2992, G replaced by A.
Protein change: p.Val998Met; replaces valine 998 with methionine.
Molecular consequence: missense variant.
Genome position (GRCh38, 1-based): chr11:108,271,321, G>A. VCF-style: chr11-108271321-G-A. GRCh37 (hg19) VCF-style: chr11-108142048-G-A.
Other names: c.2992G>A, p.Val998Met (NM_001351834.2); short protein forms V998M.
Identifiers: ClinVar variation 648699 (VCV000648699.18), dbSNP rs199635238, ClinGen allele CA6265169.
Genomic context (GRCh38, chr11:108,271,321, plus strand): 5'-TCTTTGTATCGTCGTGACCAAGATGTTTGTAAAACTATTTTAAACCATGTCCTTCATGTA[G>A]TGAAAAACCTAGGTCAAAGCAATATGGACTCTGAGAACACAAGGGATGCTCAAGGACAGT-3'
Protein context (NP_000042.3, residues 988-1008): KTILNHVLHV[Val998Met]KNLGQSNMDS